The following is an entry in ClinVar:

NM_005859.5(PURA):c.255C>T (p.Phe85=)

Gene: PURA (purine rich element binding protein A; plus strand). Cytogenetic location: 5q31.3.
Variant type: single nucleotide variant.
Coding change: c.255C>T on transcript NM_005859.5 (MANE Select); coding-DNA position 255, C replaced by T.
Protein change: p.Phe85=; no amino-acid change (phenylalanine 85 retained).
Molecular consequence: synonymous variant.
Genome position (GRCh38, 1-based): chr5:140,114,436, C>T. VCF-style: chr5-140114436-C-T. GRCh37 (hg19) VCF-style: chr5-139494021-C-T.
Identifiers: ClinVar variation 1111209 (VCV001111209.33), dbSNP rs1763042675, ClinGen allele CA446830930.

ClinVar aggregate classification (germline): Likely benign. Review status: criteria provided, multiple submitters, no conflicts (2 of 4 stars). 2 submissions from 2 submitters: Likely benign (2). Last evaluated 2025-10-01.

Conditions:
PURA-related severe neonatal hypotonia-seizures-encephalopathy syndrome (NEDRIHF). Also called: NEURODEVELOPMENTAL DISORDER WITH NEONATAL RESPIRATORY INSUFFICIENCY, HYPOTONIA, AND FEEDING DIFFICULTIES; PURA-Related Neurodevelopmental Disorders. Identifiers: Orphanet 438213, Orphanet 438216, MedGen C4015357, MONDO:1060108, OMIM 616158, MONDO:0018580.

Allele frequency attached by ClinVar (database versions not stated): gnomAD exomes below 0.00001.
gnomAD v4.1: 4 of 1,613,160 alleles (0.00025%); highest among the groups gnomAD compares: Middle Eastern, 0.016%; no homozygotes.

Submissions (2):

CeGaT Center for Human Genetics Tuebingen
Classification: Likely benign. Last evaluated: 2025-10-01. Review status: criteria provided, single submitter. Criteria: CeGaT Center For Human Genetics Tuebingen Variant Classification Criteria Version 2. Collection method: clinical testing. Allele origin: germline. Affected: yes. Observed: 2 variant alleles.
Comment: PURA: BP4, BP7

Labcorp Genetics (formerly Invitae), Labcorp
Classification: Likely benign for PURA-related severe neonatal hypotonia-seizures-encephalopathy syndrome. Last evaluated: 2022-03-03. Review status: criteria provided, single submitter. Criteria: Invitae Variant Classification Sherloc (09022015). Collection method: clinical testing. Allele origin: germline.